The following is an entry in ClinVar:

ClinVar aggregate classification (germline): Benign/Likely benign. Review status: criteria provided, multiple submitters, no conflicts (2 of 4 stars). 10 submissions from 10 submitters: Benign (3); Likely benign (6). 1 of the submissions does not count toward it. Last evaluated 2026-08-01.

Conditions:
Glycine encephalopathy 2 (GCE2). Identifiers: MedGen C5830559, MONDO:0958192, OMIM 620398.
Glycine encephalopathy. Also called: Non-ketotic hyperglycinemia; Nonketotic hyperglycinemia. Identifiers: Orphanet 407, MedGen C0751748, MONDO:0011612, HP:0008288.

Allele frequency attached by ClinVar (database versions not stated): ESP Exome Variant Server 0.00423; gnomAD 0.00397 and 0.00373; TOPMed 0.00397; 1000 Genomes Project 30x 0.00422; gnomAD exomes 0.00036 and 0.00099; ExAC 0.00140; 1000 Genomes Project 0.00359.
gnomAD v4.1: 1,103 of 1,613,254 alleles (0.068%); highest among the groups gnomAD compares: African/African-American, 1.3%; 4 homozygotes.

Submissions (10):

CeGaT Center for Human Genetics Tuebingen
Classification: Likely benign. Last evaluated: 2026-08-01. Review status: criteria provided, single submitter. Criteria: CeGaT Center For Human Genetics Tuebingen Variant Classification Criteria Version 2. Collection method: clinical testing. Allele origin: germline. Affected: yes. Observed: 1 variant allele.
Comment: AMT: BP4, BS1

Labcorp Genetics (formerly Invitae), Labcorp
Classification: Benign for Glycine encephalopathy. Last evaluated: 2026-02-03. Review status: criteria provided, single submitter. Criteria: Invitae Variant Classification Sherloc (09022015). Collection method: clinical testing. Allele origin: germline.

Mayo Clinic Laboratories, Mayo Clinic
Classification: Likely benign. Last evaluated: 2024-12-30. Review status: criteria provided, single submitter. Criteria: ACMG Guidelines, 2015. Collection method: clinical testing. Allele origin: germline. Observed: 2 variant alleles.
Comment: BA1

Blueprint Genetics
Classification: Likely benign. Last evaluated: 2024-09-20. Review status: criteria provided, single submitter. Criteria: ACMG Guidelines, 2015. Collection method: clinical testing. Allele origin: germline.

ARUP Laboratories, Molecular Genetics and Genomics, ARUP Laboratories
Classification: Likely benign for Glycine encephalopathy 2. Last evaluated: 2024-01-17. Review status: criteria provided, single submitter. Criteria: ARUP Molecular Germline Variant Investigation Process 2024. Collection method: clinical testing. Allele origin: germline.

Athena Diagnostics
Classification: Benign. Last evaluated: 2019-06-12. Review status: criteria provided, single submitter. Criteria: Athena Diagnostics Criteria. Collection method: clinical testing. Allele origin: germline.

Illumina Laboratory Services, Illumina
Classification: Benign for Glycine encephalopathy 1. Last evaluated: 2018-01-12. Review status: criteria provided, single submitter. Criteria: ICSL Variant Classification Criteria 13 December 2019. Collection method: clinical testing. Allele origin: germline.
Comment: This variant was observed in the ICSL laboratory as part of a predisposition screen in an ostensibly healthy population. It had not been previously curated by ICSL or reported in the Human Gene Mutation Database (HGMD: prior to June 1st, 2018), and was therefore a candidate for classification through an automated scoring system. Utilizing variant allele frequency, disease prevalence and penetrance estimates, and inheritance mode, an automated score was calculated to assess if this variant is too frequent to cause the disease. Based on the score and internal cut-off values, a variant classified as benign is not then subjected to further curation. The score for this variant resulted in a classification of benign for this disease.

Center for Pediatric Genomic Medicine, Children's Mercy Hospital and Clinics
Classification: Likely benign. Last evaluated: 2015-10-28. Review status: criteria provided, single submitter. Criteria: ACMG Guidelines, 2015. Collection method: clinical testing. Allele origin: germline.
ClinVar note: Converted during submission from Likely Benign to Likely benign.

Breakthrough Genomics
Classification: Likely benign. Review status: criteria provided, single submitter. Criteria: ACMG Guidelines, 2015. Collection method: not provided. Allele origin: germline. Inheritance: Autosomal recessive inheritance. Affected: yes.

Natera, Inc.
Classification: Benign for Non-ketotic hyperglycinemia. Last evaluated: 2019-11-11. Review status: no assertion criteria provided. Collection method: clinical testing. Allele origin: germline. Not counted in ClinVar's aggregate classification.

NM_000481.4(AMT):c.898A>G (p.Met300Val)

Gene: AMT (aminomethyltransferase; minus strand). Cytogenetic location: 3p21.31.
Variant type: single nucleotide variant.
Coding change: c.898A>G on transcript NM_000481.4 (MANE Select); coding-DNA position 898, A replaced by G.
Protein change: p.Met300Val; replaces methionine 300 with valine.
Molecular consequence: missense variant. On other transcripts: non-coding transcript variant (1).
Genome position (GRCh38, 1-based): chr3:49,417,953, T>C on the plus strand (A>G on the coding strand, the complement: AMT is on the minus strand). VCF-style: chr3-49417953-T-C. GRCh37 (hg19) VCF-style: chr3-49455386-T-C.
Other names: p.Met300Val; c.766A>G, p.Met256Val (NM_001164710.2); c.730A>G, p.Met244Val (NM_001164711.2); c.898A>G, p.Met300Val (NM_001164712.2); short protein forms M300V, M244V, M256V.
Identifiers: ClinVar variation 235608 (VCV000235608.28), dbSNP rs144971200, ClinGen allele CA2398204.
Genomic context (GRCh38, chr3:49,417,953, plus strand): 5'-GCCTCCGCTGCACCCTGCCCTTCAGCTGGGGAACAATGACCTTGGCTCCAGGGAAGTCCA[T>C]AGCAGCTCGGCGGCGCTTCCCTGGAGAATGACACATGAGACATAAGCCACAGCCCATAGA-3'
Protein context (NP_000472.2, residues 290-310): WTLGKRRRAA[Met300Val]DFPGAKVIVP